The following is an entry in ClinVar:

NM_006859.4(LIAS):c.399G>A (p.Met133Ile)

Gene: LIAS (lipoic acid synthetase; plus strand). Cytogenetic location: 4p14.
Variant type: single nucleotide variant.
Coding change: c.399G>A on transcript NM_006859.4 (MANE Select); coding-DNA position 399, G replaced by A.
Protein change: p.Met133Ile; replaces methionine 133 with isoleucine.
Molecular consequence: missense variant. On other transcripts: intron variant (1).
Genome position (GRCh38, 1-based): chr4:39,465,051, G>A. VCF-style: chr4-39465051-G-A. GRCh37 (hg19) VCF-style: chr4-39466671-G-A.
Other names: c.399G>A, p.Met133Ile (NM_001278590.2, NM_194451.3); c.299+1446G>A (NM_001363700.2); short protein forms M133I.
Identifiers: ClinVar variation 1010844 (VCV001010844.8), dbSNP rs774320280, ClinGen allele CA2894683.

ClinVar aggregate classification (germline): Uncertain significance (1 of 4 stars; one submission).

Conditions:
Lipoic acid synthetase deficiency. Also called: HYPERGLYCINEMIA, LACTIC ACIDOSIS, AND SEIZURES. Identifiers: Orphanet 401859, MedGen C3280887, MONDO:0013762, OMIM 614462.

Allele frequency attached by ClinVar (database versions not stated): gnomAD exomes below 0.00001; ExAC 0.00001.

Submission:

Labcorp Genetics (formerly Invitae), Labcorp
Classification: Uncertain significance for Lipoic acid synthetase deficiency. Last evaluated: 2020-08-22. Review status: criteria provided, single submitter. Criteria: Invitae Variant Classification Sherloc (09022015). Collection method: clinical testing. Allele origin: germline.
Comment: In summary, the available evidence is currently insufficient to determine the role of this variant in disease. Therefore, it has been classified as a Variant of Uncertain Significance. Algorithms developed to predict the effect of sequence changes on RNA splicing suggest that this variant may create or strengthen a splice site, but this prediction has not been confirmed by published transcriptional studies. Algorithms developed to predict the effect of missense changes on protein structure and function are either unavailable or do not agree on the potential impact of this missense change (SIFT: "Deleterious"; PolyPhen-2: "Possibly Damaging"; Align-GVGD: "Class C0"). This variant has not been reported in the literature in individuals with LIAS-related conditions. This variant is present in population databases (rs774320280, ExAC 0.002%). This sequence change replaces methionine with isoleucine at codon 133 of the LIAS protein (p.Met133Ile). The methionine residue is highly conserved and there is a small physicochemical difference between methionine and isoleucine.